The following is an entry in ClinVar:

ClinVar aggregate classification (germline): Uncertain significance (1 of 4 stars; one submission).

Submission:

GeneDx
Classification: Uncertain significance. Last evaluated: 2026-04-23. Review status: criteria provided, single submitter. Criteria: GeneDx Variant Classification Process June 2021. Collection method: clinical testing. Allele origin: germline.
Comment: Not observed at significant frequency in large population cohorts (gnomAD); In silico analysis supports that this missense variant has a deleterious effect on protein structure/function; Has not been previously published as pathogenic or benign to our knowledge.

NM_015322.5(FEM1B):c.1020T>G (p.Asn340Lys)

Gene: FEM1B (fem-1 homolog B; plus strand). Cytogenetic location: 15q23.
Variant type: single nucleotide variant.
Coding change: c.1020T>G on transcript NM_015322.5 (MANE Select); coding-DNA position 1020, T replaced by G.
Protein change: p.Asn340Lys; replaces asparagine 340 with lysine.
Molecular consequence: missense variant.
Genome position (GRCh38, 1-based): chr15:68,290,378, T>G. VCF-style: chr15-68290378-T-G. GRCh37 (hg19) VCF-style: chr15-68582716-T-G.
Other names: short protein forms N340K.
Identifiers: ClinVar variation 5037313 (VCV005037313.1).